The following is an entry in ClinVar:

ClinVar aggregate classification (germline): Uncertain significance (1 of 4 stars; one submission).

Conditions:
Hypertrophic cardiomyopathy. Also called: HYPERTROPHIC MYOCARDIOPATHY. Identifiers: Orphanet 217569, MedGen C0007194, MeSH D002312, MONDO:0005045, HP:0001639.

Submission:

Labcorp Genetics (formerly Invitae), Labcorp
Classification: Uncertain significance for Hypertrophic cardiomyopathy. Last evaluated: 2025-07-29. Review status: criteria provided, single submitter. Criteria: Invitae Variant Classification Sherloc (09022015). Collection method: clinical testing. Allele origin: germline.
Comment: This sequence change replaces methionine, which is neutral and non-polar, with isoleucine, which is neutral and non-polar, at codon 1199 of the MYBPC3 protein (p.Met1199Ile). This variant is not present in population databases (gnomAD no frequency). This variant has not been reported in the literature in individuals affected with MYBPC3-related conditions. An algorithm developed to predict the effect of missense changes on protein structure and function outputs the following: PolyPhen-2: "Benign". The isoleucine amino acid residue is found in multiple mammalian species, which suggests that this missense change does not adversely affect protein function. In summary, the available evidence is currently insufficient to determine the role of this variant in disease. Therefore, it has been classified as a Variant of Uncertain Significance.

NM_000256.3(MYBPC3):c.3597G>A (p.Met1199Ile)

Gene: MYBPC3 (myosin binding protein C3; minus strand). Cytogenetic location: 11p11.2.
Variant type: single nucleotide variant.
Coding change: c.3597G>A on transcript NM_000256.3 (MANE Select); coding-DNA position 3597, G replaced by A.
Protein change: p.Met1199Ile; replaces methionine 1199 with isoleucine.
Molecular consequence: missense variant.
Genome position (GRCh38, 1-based): chr11:47,332,596, C>T on the plus strand (G>A on the coding strand, the complement: MYBPC3 is on the minus strand). VCF-style: chr11-47332596-C-T. GRCh37 (hg19) VCF-style: chr11-47354147-C-T.
Other names: short protein forms M1199I.
Identifiers: ClinVar variation 4799328 (VCV004799328.1).